The following is an entry in ClinVar:

ClinVar aggregate classification (germline): Uncertain significance (1 of 4 stars; one submission).

Conditions:
Peroxisome biogenesis disorder 7A (Zellweger). Also called: Peroxisome biogenesis disorder 7A. Identifiers: Orphanet 912, MedGen C3888385, MONDO:0013938, OMIM 614872.
Peroxisome biogenesis disorder 7B (PBD7B). Identifiers: Orphanet 44, MedGen C3553951, MONDO:0013939, OMIM 614873.

Allele frequency attached by ClinVar (database versions not stated): gnomAD exomes below 0.00001; TOPMed below 0.00001; gnomAD 0.00001.
gnomAD v4.1: 3 of 1,613,970 alleles (0.00019%); highest among the groups gnomAD compares: Non-Finnish European, 0.00025%; no homozygotes.

Submission:

Labcorp Genetics (formerly Invitae), Labcorp
Classification: Uncertain significance for Peroxisome biogenesis disorder 7A (Zellweger); Peroxisome biogenesis disorder 7B. Last evaluated: 2021-09-27. Review status: criteria provided, single submitter. Criteria: Invitae Variant Classification Sherloc (09022015). Collection method: clinical testing. Allele origin: germline.
Comment: This sequence change replaces glycine with aspartic acid at codon 142 of the PEX26 protein (p.Gly142Asp). The glycine residue is weakly conserved and there is a moderate physicochemical difference between glycine and aspartic acid. This variant is not present in population databases (ExAC no frequency). This variant has not been reported in the literature in individuals affected with PEX26-related conditions. Algorithms developed to predict the effect of missense changes on protein structure and function output the following: SIFT: "Tolerated"; PolyPhen-2: "Benign"; Align-GVGD: "Class C0". The aspartic acid amino acid residue is found in multiple mammalian species, which suggests that this missense change does not adversely affect protein function. In summary, the available evidence is currently insufficient to determine the role of this variant in disease. Therefore, it has been classified as a Variant of Uncertain Significance.

NM_001127649.3(PEX26):c.425G>A (p.Gly142Asp)

Gene: PEX26 (peroxisomal biogenesis factor 26; plus strand). Cytogenetic location: 22q11.21.
Variant type: single nucleotide variant.
Coding change: c.425G>A on transcript NM_001127649.3 (MANE Select); coding-DNA position 425, G replaced by A.
Protein change: p.Gly142Asp; replaces glycine 142 with aspartic acid.
Molecular consequence: missense variant.
Genome position (GRCh38, 1-based): chr22:18,083,490, G>A. VCF-style: chr22-18083490-G-A. GRCh37 (hg19) VCF-style: chr22-18566256-G-A.
Other names: c.425G>A, p.Gly142Asp (NM_001199319.2, NM_017929.6); short protein forms G142D.
Identifiers: ClinVar variation 1383599 (VCV001383599.3), dbSNP rs1926704169, ClinGen allele CA410267329.